The following is an entry in ClinVar:

NM_004655.4(AXIN2):c.-116-13del

Gene: AXIN2 (axin 2; minus strand). Cytogenetic location: 17q24.1.
Variant type: Deletion.
Coding change: c.-116-13del on transcript NM_004655.4 (MANE Select); 13 bases into the intron before 116 bases upstream of the start codon, one base deleted (C; older notation c.-116-13delC).
Molecular consequence: intron variant.
Genome position (GRCh38, 1-based): chr17:65,558,749, G deleted on the plus strand (C on the coding strand, the reverse complement: AXIN2 is on the minus strand); the first of 2 consecutive G bases (chr17:65,558,749-65,558,750); deleting either gives the same sequence. VCF-style (leftmost placement, unchanged base first): chr17-65558748-AG-A. GRCh37 (hg19) VCF-style: chr17-63554866-AG-A.
Other names: c.-116-13del (LRG_296t1, NM_001363813.1); c.-116-13delC (NM_004655.3).
Identifiers: ClinVar variation 182015 (VCV000182015.9), dbSNP rs530658215, ClinGen allele CA298410.

ClinVar aggregate classification (germline): Benign/Likely benign. Review status: criteria provided, multiple submitters, no conflicts (2 of 4 stars). 2 submissions from 2 submitters: Benign (1); Likely benign (1). Last evaluated 2022-05-31.

Conditions:
Oligodontia-cancer predisposition syndrome. Also called: TOOTH AGENESIS-COLORECTAL CANCER SYNDROME. Identifiers: Orphanet 300576, MedGen C1837750, MONDO:0012075, OMIM 608615. Disease mechanism: loss of function.
Colorectal cancer. Also called: Colorectal cancer, somatic; Malignant Colorectal Neoplasm. Identifiers: MedGen C0346629, MONDO:0005575, OMIM 114500.
Hereditary cancer-predisposing syndrome. Also called: Tumor predisposition; Hereditary Cancer Syndrome; Hereditary neoplastic syndrome; Neoplastic Syndromes, Hereditary. Identifiers: Orphanet 140162, MedGen C0027672, MeSH D009386, MONDO:0015356.

Submissions (2):

Fulgent Genetics
Classification: Likely benign for Colorectal cancer; Oligodontia-cancer predisposition syndrome. Last evaluated: 2022-05-31. Review status: criteria provided, single submitter. Criteria: ACMG Guidelines, 2015. Collection method: clinical testing. Allele origin: unknown.

GeneDx
Classification: Benign for Neoplastic Syndromes, Hereditary. Last evaluated: 2014-01-13. Review status: criteria provided, single submitter. Criteria: GeneDx Variant Classification (06012015). Collection method: clinical testing. Allele origin: germline. Affected: yes.
Comment: The variant is found in HEREDICANCER,COLO-HEREDIC panel(s).